The following is an entry in ClinVar:

NM_004304.5(ALK):c.531G>T (p.Trp177Cys)

Gene: ALK (ALK receptor tyrosine kinase; minus strand). Cytogenetic location: 2p23.1.
Variant type: single nucleotide variant.
Coding change: c.531G>T on transcript NM_004304.5 (MANE Select); coding-DNA position 531, G replaced by T.
Protein change: p.Trp177Cys; replaces tryptophan 177 with cysteine.
Molecular consequence: missense variant.
Genome position (GRCh38, 1-based): chr2:29,920,129, C>A on the plus strand (G>T on the coding strand, the complement: ALK is on the minus strand). VCF-style: chr2-29920129-C-A. GRCh37 (hg19) VCF-style: chr2-30142995-C-A.
Other names: short protein forms W177C.
Identifiers: ClinVar variation 1521383 (VCV001521383.8), dbSNP rs2148443045, ClinGen allele CA346589856.
Genomic context (GRCh38, chr2:29,920,129, plus strand): 5'-TTCCGACGCCTTCTTCTCGGGCATCAGGCGGATCCTCAGTCGCCCTTCGCCTTGGCGAAT[C>A]CACCAACTGAACAGCTCGCTGAGATTGAACTGGAGCAGCCCCACAGCCGCCTCCCCGGGG-3'
Protein context (NP_004295.2, residues 167-187): QFNLSELFSW[Trp177Cys]IRQGEGRLRI

ClinVar aggregate classification (germline): Uncertain significance (1 of 4 stars; one submission).

Conditions:
Neuroblastoma, susceptibility to, 3. Also called: ALK-Related Neuroblastic Tumor Susceptibility. Identifiers: Orphanet 635, MedGen C2751681, MONDO:0013083, OMIM 613014.

gnomAD v4.1: 1 of 1,614,060 alleles (0.000062%); highest among the groups gnomAD compares: Non-Finnish European, 0.000085%; no homozygotes.

Submission:

Labcorp Genetics (formerly Invitae), Labcorp
Classification: Uncertain significance for Neuroblastoma, susceptibility to, 3. Last evaluated: 2021-03-29. Review status: criteria provided, single submitter. Criteria: Invitae Variant Classification Sherloc (09022015). Collection method: clinical testing. Allele origin: germline.
Comment: Algorithms developed to predict the effect of missense changes on protein structure and function are either unavailable or do not agree on the potential impact of this missense change (SIFT: "Deleterious"; PolyPhen-2: "Probably Damaging"; Align-GVGD: "Class C0"). In summary, the available evidence is currently insufficient to determine the role of this variant in disease. Therefore, it has been classified as a Variant of Uncertain Significance. This sequence change replaces tryptophan with cysteine at codon 177 of the ALK protein (p.Trp177Cys). The tryptophan residue is moderately conserved and there is a large physicochemical difference between tryptophan and cysteine. This variant is not present in population databases (ExAC no frequency). This variant has not been reported in the literature in individuals with ALK-related conditions.